The following is an entry in ClinVar:

ClinVar aggregate classification (germline): Uncertain significance (1 of 4 stars; one submission).

Conditions:
COG4-congenital disorder of glycosylation. Also called: COG4-CDG; CONGENITAL DISORDER OF GLYCOSYLATION, TYPE IIj; CDG IIj. Identifiers: Orphanet 263501, MedGen C4303552, MONDO:0013281, OMIM 613489.

Allele frequency attached by ClinVar (database versions not stated): gnomAD exomes below 0.00001.
gnomAD v4.1: 1 of 1,614,058 alleles (0.000062%); highest among the groups gnomAD compares: Admixed American, 0.0017%; no homozygotes.

Submission:

Labcorp Genetics (formerly Invitae), Labcorp
Classification: Uncertain significance for COG4-congenital disorder of glycosylation. Last evaluated: 2022-02-11. Review status: criteria provided, single submitter. Criteria: Invitae Variant Classification Sherloc (09022015). Collection method: clinical testing. Allele origin: germline.
Comment: This variant is present in population databases (no rsID available, gnomAD 0.003%). This variant has not been reported in the literature in individuals affected with COG4-related conditions. ClinVar contains an entry for this variant (Variation ID: 958429). Algorithms developed to predict the effect of missense changes on protein structure and function (SIFT, PolyPhen-2, Align-GVGD) all suggest that this variant is likely to be tolerated. In summary, the available evidence is currently insufficient to determine the role of this variant in disease. Therefore, it has been classified as a Variant of Uncertain Significance. This sequence change replaces arginine, which is basic and polar, with leucine, which is neutral and non-polar, at codon 28 of the COG4 protein (p.Arg28Leu).

NM_015386.3(COG4):c.83G>T (p.Arg28Leu)

Gene: COG4 (component of oligomeric golgi complex 4; minus strand). Cytogenetic location: 16q22.1.
Variant type: single nucleotide variant.
Coding change: c.83G>T on transcript NM_015386.3 (MANE Select); coding-DNA position 83, G replaced by T.
Protein change: p.Arg28Leu; replaces arginine 28 with leucine.
Molecular consequence: missense variant. On other transcripts: 5 prime UTR variant (1), non-coding transcript variant (1).
Genome position (GRCh38, 1-based): chr16:70,523,461, C>A on the plus strand (G>T on the coding strand, the complement: COG4 is on the minus strand). VCF-style: chr16-70523461-C-A. GRCh37 (hg19) VCF-style: chr16-70557364-C-A.
Other names: c.71G>T, p.Arg24Leu (NM_001195139.2); c.-517G>T (NM_001365426.1); short protein forms R24L, R28L.
Identifiers: ClinVar variation 958429 (VCV000958429.9), dbSNP rs1246610468, ClinGen allele CA396581433.